The following is an entry in ClinVar:

ClinVar aggregate classification (germline): Uncertain significance (1 of 4 stars; one submission).

Conditions:
TTN-related disorder. Also called: TTN-related condition; TTN-related disease; TTN-related disorders.

gnomAD v4.1: 15 of 1,223,944 alleles (0.0012%); highest among the groups gnomAD compares: African/African-American, 0.0094%; no homozygotes.

Submission:

PreventionGenetics, part of Exact Sciences
Classification: Uncertain significance for TTN-related condition. Last evaluated: 2025-08-19. Review status: criteria provided, single submitter. Criteria: ACMG Guidelines, 2015. Collection method: clinical testing. Allele origin: germline.
Comment: The TTN c.34360C>A variant is predicted to result in the amino acid substitution p.Pro11454Thr. To our knowledge, this variant has not been reported in the literature or in a large population database (gnomAD), indicating this variant is rare. At this time, the clinical significance of this variant is uncertain due to the absence of conclusive functional and genetic evidence.

NM_001267550.2(TTN):c.34360C>A (p.Pro11454Thr)

Gene: TTN (titin; minus strand). Cytogenetic location: 2q31.2.
Variant type: single nucleotide variant.
Coding change: c.34360C>A on transcript NM_001267550.2 (MANE Select); coding-DNA position 34360, C replaced by A.
Protein change: p.Pro11454Thr; replaces proline 11454 with threonine.
Molecular consequence: missense variant. On other transcripts: intron variant (5).
Genome position (GRCh38, 1-based): chr2:178,677,219, G>T on the plus strand (C>A on the coding strand, the complement: TTN is on the minus strand). VCF-style: chr2-178677219-G-T. GRCh37 (hg19) VCF-style: chr2-179541946-G-T.
Other names: c.13283-34902C>A (NM_003319.4); c.13859-34902C>A (NM_133437.4); c.13658-34902C>A (NM_133432.3); c.30559+402C>A (NM_133378.4); c.33340+402C>A (NM_001256850.1); short protein forms P11454T.
Identifiers: ClinVar variation 4977367 (VCV004977367.1).